The following is an entry in ClinVar:

NM_015327.3(SMG5):c.1311T>G (p.Pro437=)

Gene: SMG5 (SMG5 nonsense mediated mRNA decay factor; minus strand). Cytogenetic location: 1q22.
Variant type: single nucleotide variant.
Coding change: c.1311T>G on transcript NM_015327.3 (MANE Select); coding-DNA position 1311, T replaced by G.
Protein change: p.Pro437=; no amino-acid change (proline 437 retained).
Molecular consequence: synonymous variant.
Genome position (GRCh38, 1-based): chr1:156,266,325, A>C on the plus strand (T>G on the coding strand, the complement: SMG5 is on the minus strand). VCF-style: chr1-156266325-A-C. GRCh37 (hg19) VCF-style: chr1-156236116-A-C.
Other names: c.1311T>G, p.Pro437= (NM_001323614.2); c.1173T>G, p.Pro391= (NM_001323615.2); c.1113T>G, p.Pro371= (NM_001323616.2, NM_001323617.2).
Identifiers: ClinVar variation 4533515 (VCV004533515.6).

ClinVar aggregate classification (germline): Likely benign (1 of 4 stars; one submission).

gnomAD v4.1: 3,995 of 1,614,052 alleles (0.25%); highest among the groups gnomAD compares: Non-Finnish European, 0.3%; 8 homozygotes.

Submission:

CeGaT Center for Human Genetics Tuebingen
Classification: Likely benign. Last evaluated: 2025-10-01. Review status: criteria provided, single submitter. Criteria: CeGaT Center For Human Genetics Tuebingen Variant Classification Criteria Version 2. Collection method: clinical testing. Allele origin: germline. Affected: yes. Observed: 1 variant allele.
Comment: SMG5: BP4, BP7